The following is an entry in ClinVar:

NM_000057.4(BLM):c.883G>A (p.Asp295Asn)

Gene: BLM (BLM RecQ like helicase; plus strand). Cytogenetic location: 15q26.1.
Variant type: single nucleotide variant.
Coding change: c.883G>A on transcript NM_000057.4 (MANE Select); coding-DNA position 883, G replaced by A.
Protein change: p.Asp295Asn; replaces aspartic acid 295 with asparagine.
Molecular consequence: missense variant. On other transcripts: 5 prime UTR variant (1).
Genome position (GRCh38, 1-based): chr15:90,751,870, G>A. VCF-style: chr15-90751870-G-A. GRCh37 (hg19) VCF-style: chr15-91295100-G-A.
Other names: c.883G>A (NM_000057.2); c.883G>A, p.Asp295Asn (NM_001287246.2, NM_001287247.2); c.-409G>A (NM_001287248.2); short protein forms D295N.
Identifiers: ClinVar variation 969202 (VCV000969202.13), dbSNP rs146096923, ClinGen allele CA7738381.

ClinVar aggregate classification (germline): Conflicting classifications of pathogenicity. Review status: criteria provided, conflicting classifications (1 of 4 stars). 4 submissions from 4 submitters: Uncertain significance (2); Likely benign (1). 1 of the submissions does not count toward it. Last evaluated 2025-11-05.

Conditions:
Hereditary cancer-predisposing syndrome. Also called: Neoplastic Syndromes, Hereditary; Hereditary Cancer Syndrome; Tumor predisposition; Hereditary neoplastic syndrome. Identifiers: Orphanet 140162, MedGen C0027672, MeSH D009386, MONDO:0015356.
Bloom syndrome (BLM). Also called: Bloom-Torre-Machacek syndrome. Identifiers: Orphanet 125, MedGen C0005859, MONDO:0008876, OMIM 210900.

Allele frequency attached by ClinVar (database versions not stated): TOPMed 0.00003.

Submissions (4):

Labcorp Genetics (formerly Invitae), Labcorp
Classification: Uncertain significance for Bloom syndrome. Last evaluated: 2025-11-05. Review status: criteria provided, single submitter. Criteria: Invitae Variant Classification Sherloc (09022015). Collection method: clinical testing. Allele origin: germline.
Comment: This sequence change replaces aspartic acid, which is acidic and polar, with asparagine, which is neutral and polar, at codon 295 of the BLM protein (p.Asp295Asn). This variant is present in population databases (rs146096923, gnomAD 0.008%). This variant has not been reported in the literature in individuals affected with BLM-related conditions. ClinVar contains an entry for this variant (Variation ID: 969202). Invitae Evidence Modeling of protein sequence and biophysical properties (such as structural, functional, and spatial information, amino acid conservation, physicochemical variation, residue mobility, and thermodynamic stability) indicates that this missense variant is not expected to disrupt BLM protein function with a negative predictive value of 80%. In summary, the available evidence is currently insufficient to determine the role of this variant in disease. Therefore, it has been classified as a Variant of Uncertain Significance.

Fulgent Genetics
Classification: Uncertain significance for Bloom syndrome. Last evaluated: 2024-05-30. Review status: criteria provided, single submitter. Criteria: ACMG Guidelines, 2015. Collection method: clinical testing. Allele origin: germline.

Ambry Genetics
Classification: Likely benign for Hereditary cancer-predisposing syndrome. Last evaluated: 2024-02-12. Review status: criteria provided, single submitter. Criteria: Ambry Variant Classification Scheme 2023. Collection method: clinical testing. Allele origin: germline.

Natera, Inc.
Classification: Uncertain significance for Bloom syndrome. Last evaluated: 2020-11-18. Review status: no assertion criteria provided. Collection method: clinical testing. Allele origin: germline. Not counted in ClinVar's aggregate classification.